The following is an entry in ClinVar:

NM_002816.5(PSMD12):c.1019T>C (p.Val340Ala)

Gene: PSMD12 (proteasome 26S subunit, non-ATPase 12; minus strand). Cytogenetic location: 17q24.2.
Variant type: single nucleotide variant.
Coding change: c.1019T>C on transcript NM_002816.5 (MANE Select); coding-DNA position 1019, T replaced by C.
Protein change: p.Val340Ala; replaces valine 340 with alanine.
Molecular consequence: missense variant.
Genome position (GRCh38, 1-based): chr17:67,344,670, A>G on the plus strand (T>C on the coding strand, the complement: PSMD12 is on the minus strand). VCF-style: chr17-67344670-A-G. GRCh37 (hg19) VCF-style: chr17-65340786-A-G.
Other names: c.842T>C, p.Val281Ala (NM_001316341.2); c.959T>C, p.Val320Ala (NM_174871.4); short protein forms V281A, V320A, V340A.
Identifiers: ClinVar variation 1712865 (VCV001712865.2), dbSNP rs2509681613, ClinGen allele CA400803913.

ClinVar aggregate classification (germline): Uncertain significance (1 of 4 stars; one submission).

Submission:

GeneDx
Classification: Uncertain significance. Last evaluated: 2022-04-26. Review status: criteria provided, single submitter. Criteria: GeneDx Variant Classification Process June 2021. Collection method: clinical testing. Allele origin: germline. Affected: yes.
Comment: Not observed at significant frequency in large population cohorts (gnomAD); In silico analysis supports that this missense variant has a deleterious effect on protein structure/function; Has not been previously published as pathogenic or benign to our knowledge